The following is an entry in ClinVar:

NM_015046.7(SETX):c.7895G>T (p.Arg2632Met)

Gene: SETX (senataxin; minus strand). Cytogenetic location: 9q34.13.
Variant type: single nucleotide variant.
Coding change: c.7895G>T on transcript NM_015046.7 (MANE Select); coding-DNA position 7895, G replaced by T.
Protein change: p.Arg2632Met; replaces arginine 2632 with methionine.
Molecular consequence: missense variant.
Genome position (GRCh38, 1-based): chr9:132,264,378, C>A on the plus strand (G>T on the coding strand, the complement: SETX is on the minus strand). VCF-style: chr9-132264378-C-A. GRCh37 (hg19) VCF-style: chr9-135139765-C-A.
Other names: p.Arg2632Met; c.7895G>T, p.Arg2632Met (NM_001351527.2); c.7982G>T, p.Arg2661Met (NM_001351528.2); short protein forms R2632M, R2661M.
Identifiers: ClinVar variation 1761060 (VCV001761060.12), dbSNP rs1315385196, ClinGen allele CA375321150.
Genomic context (GRCh38, chr9:132,264,378, plus strand): 5'-TGATGGGTCTCGGAACCACACTTCTCCTGCTCCCCTTCACTGAAAGCCCTGGCCTCTCTC[C>A]TGTGACAGAGCTCCTCTTCCGGGTCATCACATTTGCTCTGACACGTGGAAGCCTCGGGAC-3'
Protein context (NP_055861.3, residues 2622-2642): CDDPEEELCH[Arg2632Met]REARAFSEGE

ClinVar aggregate classification (germline): Conflicting classifications of pathogenicity. Review status: criteria provided, conflicting classifications (1 of 4 stars). 4 submissions from 4 submitters: Uncertain significance (3); Likely benign (1). Last evaluated 2025-10-30.

Conditions:
Inborn genetic diseases. Identifiers: MedGen C0950123, MeSH D030342.
Spinocerebellar ataxia, autosomal recessive, with axonal neuropathy 2 (SCAN2). Also called: ATAXIA-OCULOMOTOR APRAXIA 2; Ataxia with Oculomotor Apraxia; Ataxia-ocular apraxia-2; Ataxia with Oculomotor Apraxia Type 2. Identifiers: Orphanet 64753, MedGen C1853761, MONDO:0018996, OMIM 606002.
Amyotrophic lateral sclerosis type 4 (ALS4). Also called: NEURONOPATHY, DISTAL HEREDITARY MOTOR, WITH PYRAMIDAL FEATURES; AMYOTROPHIC LATERAL SCLEROSIS 4, JUVENILE. Identifiers: Orphanet 357043, MedGen C1865409, MONDO:0011223, OMIM 602433.

gnomAD v4.1: 7 of 1,614,220 alleles (0.00043%); highest among the groups gnomAD compares: Non-Finnish European, 0.00059%; no homozygotes.

Submissions (4):

Mayo Clinic Laboratories, Mayo Clinic
Classification: Uncertain significance. Last evaluated: 2025-10-30. Review status: criteria provided, single submitter. Criteria: ACMG Guidelines, 2015. Collection method: clinical testing. Allele origin: germline. Observed: 1 variant allele.

Labcorp Genetics (formerly Invitae), Labcorp
Classification: Likely benign for Amyotrophic lateral sclerosis type 4; Spinocerebellar ataxia, autosomal recessive, with axonal neuropathy 2. Last evaluated: 2025-05-01. Review status: criteria provided, single submitter. Criteria: Invitae Variant Classification Sherloc (09022015). Collection method: clinical testing. Allele origin: germline.

Athena Diagnostics
Classification: Uncertain significance. Last evaluated: 2024-06-26. Review status: criteria provided, single submitter. Criteria: Athena Diagnostics Criteria. Collection method: clinical testing. Allele origin: unknown.
Comment: Available data are insufficient to determine the clinical significance of the variant at this time. The frequency of this variant in the general population is uninformative in assessment of its pathogenicity. Polyphen and MutationTaster yielded discordant predictions regarding whether this amino acid change is damaging to the protein.

Ambry Genetics
Classification: Uncertain significance for Inborn genetic diseases. Last evaluated: 2020-03-16. Review status: criteria provided, single submitter. Criteria: Ambry Variant Classification Scheme 2023. Collection method: clinical testing. Allele origin: germline.
Comment: The p.R2632M variant (also known as c.7895G>T), located in coding exon 24 of the SETX gene, results from a G to T substitution at nucleotide position 7895. The arginine at codon 2632 is replaced by methionine, an amino acid with similar properties. This amino acid position is not well conserved in available vertebrate species. In addition, the in silico prediction for this alteration is inconclusive. Since supporting evidence is limited at this time, the clinical significance of this alteration remains unclear.